The following is an entry in ClinVar:

ClinVar aggregate classification (germline): Uncertain significance (1 of 4 stars; one submission).

Submission:

Ambry Genetics
Classification: Uncertain significance. Last evaluated: 2024-07-24. Review status: criteria provided, single submitter. Criteria: Ambry Variant Classification Scheme 2023. Collection method: clinical testing. Allele origin: germline.
Comment: The p.N537T variant (also known as c.1610A>C), located in coding exon 14 of the BUB1 gene, results from an A to C substitution at nucleotide position 1610. The asparagine at codon 537 is replaced by threonine, an amino acid with similar properties. This amino acid position is conserved. In addition, this alteration is predicted to be tolerated by in silico analysis. Based on the available evidence, the clinical significance of this variant remains unclear.

NM_004336.5(BUB1):c.1610A>C (p.Asn537Thr)

Gene: BUB1 (BUB1 mitotic checkpoint serine/threonine kinase; minus strand). Cytogenetic location: 2q13.
Variant type: single nucleotide variant.
Coding change: c.1610A>C on transcript NM_004336.5 (MANE Select); coding-DNA position 1610, A replaced by C.
Protein change: p.Asn537Thr; replaces asparagine 537 with threonine.
Molecular consequence: missense variant.
Genome position (GRCh38, 1-based): chr2:110,657,552, T>G on the plus strand (A>C on the coding strand, the complement: BUB1 is on the minus strand). VCF-style: chr2-110657552-T-G. GRCh37 (hg19) VCF-style: chr2-111415129-T-G.
Other names: c.1550A>C, p.Asn517Thr (NM_001278616.2); c.1610A>C, p.Asn537Thr (NM_001278617.2); short protein forms N537T, N517T.
Identifiers: ClinVar variation 3483026 (VCV003483026.1).